The following is an entry in ClinVar:

NM_001372.4(DNAH9):c.2366A>T (p.Tyr789Phe)

Gene: DNAH9 (dynein axonemal heavy chain 9; plus strand). Cytogenetic location: 17p12.
Variant type: single nucleotide variant.
Coding change: c.2366A>T on transcript NM_001372.4 (MANE Select); coding-DNA position 2366, A replaced by T.
Protein change: p.Tyr789Phe; replaces tyrosine 789 with phenylalanine.
Molecular consequence: missense variant.
Genome position (GRCh38, 1-based): chr17:11,652,773, A>T. VCF-style: chr17-11652773-A-T. GRCh37 (hg19) VCF-style: chr17-11556090-A-T.
Other names: short protein forms Y789F.
Identifiers: ClinVar variation 1370388 (VCV001370388.8), dbSNP rs745698479, ClinGen allele CA8395165.

ClinVar aggregate classification (germline): Uncertain significance (1 of 4 stars; one submission).

Allele frequency attached by ClinVar (database versions not stated): gnomAD exomes below 0.00001 and 0.00001; TOPMed below 0.00001; ExAC 0.00001; gnomAD 0.00001.
gnomAD v4.1: 8 of 1,613,248 alleles (0.0005%); highest among the groups gnomAD compares: Non-Finnish European, 0.00068%; no homozygotes.

Submission:

Labcorp Genetics (formerly Invitae), Labcorp
Classification: Uncertain significance. Last evaluated: 2021-08-05. Review status: criteria provided, single submitter. Criteria: Invitae Variant Classification Sherloc (09022015). Collection method: clinical testing. Allele origin: germline.
Comment: In summary, the available evidence is currently insufficient to determine the role of this variant in disease. Therefore, it has been classified as a Variant of Uncertain Significance. Algorithms developed to predict the effect of missense changes on protein structure and function (SIFT, PolyPhen-2, Align-GVGD) all suggest that this variant is likely to be tolerated, but these predictions have not been confirmed by published functional studies and their clinical significance is uncertain. This variant has not been reported in the literature in individuals with DNAH9-related conditions. This variant is present in population databases (rs745698479, ExAC 0.002%). This sequence change replaces tyrosine with phenylalanine at codon 789 of the DNAH9 protein (p.Tyr789Phe). The tyrosine residue is weakly conserved and there is a small physicochemical difference between tyrosine and phenylalanine.